The following is an entry in ClinVar:

NM_001369.3(DNAH5):c.10703T>C (p.Ile3568Thr)

Gene: DNAH5 (dynein axonemal heavy chain 5; minus strand). Cytogenetic location: 5p15.2.
Variant type: single nucleotide variant.
Coding change: c.10703T>C on transcript NM_001369.3 (MANE Select); coding-DNA position 10703, T replaced by C.
Protein change: p.Ile3568Thr; replaces isoleucine 3568 with threonine.
Molecular consequence: missense variant.
Genome position (GRCh38, 1-based): chr5:13,753,402, A>G on the plus strand (T>C on the coding strand, the complement: DNAH5 is on the minus strand). VCF-style: chr5-13753402-A-G. GRCh37 (hg19) VCF-style: chr5-13753511-A-G.
Other names: c.10703T>C (NM_001369.2); short protein forms I3568T.
Identifiers: ClinVar variation 1951507 (VCV001951507.5), dbSNP rs1255772979, ClinGen allele CA359191677.

ClinVar aggregate classification (germline): Uncertain significance. Review status: criteria provided, multiple submitters, no conflicts (2 of 4 stars). 2 submissions from 2 submitters: Uncertain significance (2). Last evaluated 2025-02-03.

Conditions:
Primary ciliary dyskinesia. Also called: Ciliary dyskinesia. Identifiers: Orphanet 244, MedGen C0008780, MONDO:0016575, HP:0012265.

Submissions (2):

Labcorp Genetics (formerly Invitae), Labcorp
Classification: Uncertain significance for Primary ciliary dyskinesia. Last evaluated: 2025-02-03. Review status: criteria provided, single submitter. Criteria: Invitae Variant Classification Sherloc (09022015). Collection method: clinical testing. Allele origin: germline.
Comment: This sequence change replaces isoleucine, which is neutral and non-polar, with threonine, which is neutral and polar, at codon 3568 of the DNAH5 protein (p.Ile3568Thr). This variant is present in population databases (no rsID available, gnomAD 0.01%). This variant has not been reported in the literature in individuals affected with DNAH5-related conditions. ClinVar contains an entry for this variant (Variation ID: 1951507). Invitae Evidence Modeling of protein sequence and biophysical properties (such as structural, functional, and spatial information, amino acid conservation, physicochemical variation, residue mobility, and thermodynamic stability) indicates that this missense variant is not expected to disrupt DNAH5 protein function with a negative predictive value of 95%. In summary, the available evidence is currently insufficient to determine the role of this variant in disease. Therefore, it has been classified as a Variant of Uncertain Significance.

Ambry Genetics
Classification: Uncertain significance for Primary ciliary dyskinesia. Last evaluated: 2024-03-07. Review status: criteria provided, single submitter. Criteria: Ambry Variant Classification Scheme 2023. Collection method: clinical testing. Allele origin: germline.